The following is an entry in ClinVar:

NM_004086.3(COCH):c.1293A>C (p.Leu431=)

Genes: COCH (cochlin; plus strand), LOC100506071 (uncharacterized LOC100506071; minus strand). Cytogenetic location: 14q12.
Variant type: single nucleotide variant.
Coding change: c.1293A>C on transcript NM_004086.3 (MANE Select); coding-DNA position 1293, A replaced by C.
Protein change: p.Leu431=; no amino-acid change (leucine 431 retained).
Molecular consequence: synonymous variant. On other transcripts: non-coding transcript variant (1).
Genome position (GRCh38, 1-based): chr14:30,886,128, A>C. VCF-style: chr14-30886128-A-C. GRCh37 (hg19) VCF-style: chr14-31355334-A-C.
Other names: c.1293A>C, p.Leu431= (NM_001135058.2); c.1488A>C, p.Leu496= (NM_001347720.2).
Identifiers: ClinVar variation 3037040 (VCV003037040.2), dbSNP rs2502754211, ClinGen allele CA486083821.

ClinVar aggregate classification (germline): Likely benign (0 of 4 stars; one submission).

Conditions:
COCH-related disorder. Also called: COCH-related condition.

Submission:

PreventionGenetics, part of Exact Sciences
Classification: Likely benign for COCH-related condition. Last evaluated: 2020-05-21. Review status: no assertion criteria provided. Collection method: clinical testing. Allele origin: germline.
Comment: This variant is classified as likely benign based on ACMG/AMP sequence variant interpretation guidelines (Richards et al. 2015 PMID: 25741868, with internal and published modifications).